The following is an entry in ClinVar:

ClinVar aggregate classification (germline): Uncertain significance. Review status: criteria provided, multiple submitters, no conflicts (2 of 4 stars). 3 submissions from 3 submitters: Uncertain significance (3). Last evaluated 2026-05-01.

Conditions:
Hereditary spastic paraplegia 11. Also called: Spastic paraplegia, mental retardation and thin corpus callosum; Spastic Paraplegia 11; Nakamura Osame syndrome; Autosomal recessive hereditary spastic paraplegia, mental impairment, and thin corpus callosum; SPASTIC PARAPLEGIA, AUTOSOMAL RECESSIVE, COMPLICATED, WITH THIN CORPUS CALLOSUM; SPASTIC PARAPLEGIA, AUTOSOMAL RECESSIVE, WITH MENTAL IMPAIRMENT AND THIN CORPUS CALLOSUM. Identifiers: Orphanet 2822, MedGen C1858479, MONDO:0011445, OMIM 604360.

Allele frequency attached by ClinVar (database versions not stated): ExAC 0.00001; gnomAD exomes 0.00001; TOPMed 0.00001.
gnomAD v4.1: 13 of 1,613,856 alleles (0.00081%); highest among the groups gnomAD compares: African/African-American, 0.0013%; no homozygotes.

Submissions (3):

CeGaT Center for Human Genetics Tuebingen
Classification: Uncertain significance. Last evaluated: 2026-05-01. Review status: criteria provided, single submitter. Criteria: CeGaT Center For Human Genetics Tuebingen Variant Classification Criteria Version 2. Collection method: clinical testing. Allele origin: germline. Affected: yes. Observed: 1 variant allele.
Comment: SPG11: PM2, BP4

Women's Health and Genetics/Laboratory Corporation of America, LabCorp
Classification: Uncertain significance. Last evaluated: 2026-02-17. Review status: criteria provided, single submitter. Criteria: LabCorp Variant Classification Summary - May 2015. Collection method: clinical testing. Allele origin: germline.

Labcorp Genetics (formerly Invitae), Labcorp
Classification: Uncertain significance for Hereditary spastic paraplegia 11. Last evaluated: 2021-10-15. Review status: criteria provided, single submitter. Criteria: Invitae Variant Classification Sherloc (09022015). Collection method: clinical testing. Allele origin: germline.
Comment: This sequence change falls in intron 22 of the SPG11 gene. It does not directly change the encoded amino acid sequence of the SPG11 protein. It affects a nucleotide within the consensus splice site. This variant is present in population databases (rs758774049, ExAC 0.002%). This variant has not been reported in the literature in individuals affected with SPG11-related conditions. Variants that disrupt the consensus splice site are a relatively common cause of aberrant splicing (PMID: 17576681, 9536098). Algorithms developed to predict the effect of sequence changes on RNA splicing suggest that this variant is not likely to affect RNA splicing. In summary, the available evidence is currently insufficient to determine the role of this variant in disease. Therefore, it has been classified as a Variant of Uncertain Significance.

Literature cited by the submitters: PubMed 17576681 (cited by Labcorp Genetics (formerly Invitae), Labcorp); PubMed 9536098 (cited by Labcorp Genetics (formerly Invitae), Labcorp).

NM_025137.4(SPG11):c.3892+5A>C

Gene: SPG11 (SPG11 vesicle trafficking associated, spatacsin; minus strand). Cytogenetic location: 15q21.1.
Variant type: single nucleotide variant.
Coding change: c.3892+5A>C on transcript NM_025137.4 (MANE Select); 5 bases into the intron after coding-DNA position 3892, A replaced by C.
Molecular consequence: intron variant.
Genome position (GRCh38, 1-based): chr15:44,598,626, T>G on the plus strand (A>C on the coding strand, the complement: SPG11 is on the minus strand). VCF-style: chr15-44598626-T-G. GRCh37 (hg19) VCF-style: chr15-44890824-T-G.
Other names: c.3892+5A>C (NM_001160227.2).
Identifiers: ClinVar variation 1490472 (VCV001490472.6), dbSNP rs758774049, ClinGen allele CA7534839.